The following is an entry in ClinVar:

NM_000091.5(COL4A3):c.3262C>A (p.Pro1088Thr)

Genes: COL4A3 (collagen type IV alpha 3 chain; plus strand), MFF-DT (MFF divergent transcript; minus strand). Cytogenetic location: 2q36.3.
Variant type: single nucleotide variant.
Coding change: c.3262C>A on transcript NM_000091.5 (MANE Select); coding-DNA position 3262, C replaced by A.
Protein change: p.Pro1088Thr; replaces proline 1088 with threonine.
Molecular consequence: missense variant.
Genome position (GRCh38, 1-based): chr2:227,293,242, C>A. VCF-style: chr2-227293242-C-A. GRCh37 (hg19) VCF-style: chr2-228157958-C-A.
Other names: c.3262C>A (NM_000091.4); short protein forms P1088T.
Identifiers: ClinVar variation 1383807 (VCV001383807.5), dbSNP rs2072859830, ClinGen allele CA350857478.
Genomic context (GRCh38, chr2:227,293,242, plus strand): 5'-ACATTTAAGGGGGATCCAGGACTGCCGGGTGATATGGGAAAGAAAGGAGAAATGGGGCAA[C>A]CTGGCCCACCTGGACATTTGGGGCCTGCTGGACCTGAGGGAGCCCCTGGAAGTCCTGGAA-3'
Protein context (NP_000082.2, residues 1078-1098): DMGKKGEMGQ[Pro1088Thr]GPPGHLGPAG

ClinVar aggregate classification (germline): Uncertain significance. Review status: criteria provided, multiple submitters, no conflicts (2 of 4 stars). 3 submissions from 3 submitters: Uncertain significance (2). 1 of the submissions does not count toward it. Last evaluated 2026-07-07.

Conditions:
Alport syndrome. Also called: Hemorrhagic familial nephritis; Hemorrhagic hereditary nephritis; Congenital hereditary hematuria. Identifiers: Orphanet 63, MedGen C1567741, MONDO:0018965.
COL4A3-related disorder. Also called: COL4A3-Related Disorders; COL4A3-related condition.

Allele frequency attached by ClinVar (database versions not stated): gnomAD exomes below 0.00001; TOPMed below 0.00001.
gnomAD v4.1: 4 of 1,613,840 alleles (0.00025%); highest among the groups gnomAD compares: Admixed American, 0.0017%; no homozygotes.

Submissions (3):

PreventionGenetics, part of Exact Sciences
Classification: Uncertain significance for COL4A3-related condition. Last evaluated: 2026-07-07. Review status: criteria provided, single submitter. Criteria: ACMG Guidelines, 2015. Collection method: clinical testing. Allele origin: germline.
Comment: The COL4A3 c.3262C>A variant is predicted to result in the amino acid substitution p.Pro1088Thr. To our knowledge, this variant has not been reported in the literature or in a large population database (gnomAD), indicating this variant is rare. At this time, the clinical significance of this variant is uncertain due to the absence of conclusive functional and genetic evidence.

Labcorp Genetics (formerly Invitae), Labcorp
Classification: Uncertain significance. Last evaluated: 2022-07-12. Review status: criteria provided, single submitter. Criteria: Invitae Variant Classification Sherloc (09022015). Collection method: clinical testing. Allele origin: germline.
Comment: This sequence change replaces proline, which is neutral and non-polar, with threonine, which is neutral and polar, at codon 1088 of the COL4A3 protein (p.Pro1088Thr). This variant is not present in population databases (gnomAD no frequency). This variant has not been reported in the literature in individuals affected with COL4A3-related conditions. ClinVar contains an entry for this variant (Variation ID: 1383807). Advanced modeling of protein sequence and biophysical properties (such as structural, functional, and spatial information, amino acid conservation, physicochemical variation, residue mobility, and thermodynamic stability) performed at Invitae indicates that this missense variant is not expected to disrupt COL4A3 protein function. In summary, the available evidence is currently insufficient to determine the role of this variant in disease. Therefore, it has been classified as a Variant of Uncertain Significance.

Natera, Inc.
Classification: Uncertain significance for Alport syndrome. Last evaluated: 2025-02-16. Review status: no assertion criteria provided. Collection method: clinical testing. Allele origin: germline. Not counted in ClinVar's aggregate classification.